The following is an entry in ClinVar:

ClinVar aggregate classification (germline): Conflicting classifications of pathogenicity. Review status: criteria provided, conflicting classifications (1 of 4 stars). 2 submissions from 2 submitters: Likely pathogenic (1); Uncertain significance (1). Last evaluated 2024-01-05.

Conditions:
Cardiovascular phenotype. Identifiers: MedGen CN230736.
Walker-Warburg congenital muscular dystrophy. Also called: Muscular dystrophy-dystroglycanopathy, type A; Walker-Warburg syndrome. Identifiers: Orphanet 899, MedGen C0265221, MONDO:0000171.

Submissions (2):

Labcorp Genetics (formerly Invitae), Labcorp
Classification: Likely pathogenic for Walker-Warburg congenital muscular dystrophy. Last evaluated: 2024-01-05. Review status: criteria provided, single submitter. Criteria: Invitae Variant Classification Sherloc (09022015). Collection method: clinical testing. Allele origin: germline.
Comment: This sequence change replaces asparagine, which is neutral and polar, with isoleucine, which is neutral and non-polar, at codon 463 of the FKRP protein (p.Asn463Ile). This variant is not present in population databases (gnomAD no frequency). This variant has not been reported in the literature in individuals affected with FKRP-related conditions. ClinVar contains an entry for this variant (Variation ID: 1066164). Advanced modeling of protein sequence and biophysical properties (such as structural, functional, and spatial information, amino acid conservation, physicochemical variation, residue mobility, and thermodynamic stability) performed at Invitae indicates that this missense variant is expected to disrupt FKRP protein function with a positive predictive value of 95%. This variant disrupts the p.Asn463 amino acid residue in FKRP. Other variant(s) that disrupt this residue have been determined to be pathogenic (PMID: 17336067). This suggests that this residue is clinically significant, and that variants that disrupt this residue are likely to be disease-causing. In summary, the currently available evidence indicates that the variant is pathogenic, but additional data are needed to prove that conclusively. Therefore, this variant has been classified as Likely Pathogenic.

Ambry Genetics
Classification: Uncertain significance for Cardiovascular phenotype. Last evaluated: 2019-12-12. Review status: criteria provided, single submitter. Criteria: Ambry Variant Classification Scheme 2023. Collection method: clinical testing. Allele origin: germline.
Comment: The p.N463I variant (also known as c.1388A>T), located in coding exon 1 of the FKRP gene, results from an A to T substitution at nucleotide position 1388. The asparagine at codon 463 is replaced by isoleucine, an amino acid with dissimilar properties. Another alteration affecting the same amino acid, p.N463D (c.1388A>G), has been reported in association with FKRP-related disease ((MacLeod H et al. Neuromuscul. Disord., 2007 Apr;17:285-9). This amino acid position is highly conserved in available vertebrate species. In addition, this alteration is predicted to be deleterious by in silico analysis. Since supporting evidence is limited at this time, the clinical significance of this alteration remains unclear.

Literature cited by the submitters: PubMed 17336067 (cited by Labcorp Genetics (formerly Invitae), Labcorp).

NM_024301.5(FKRP):c.1388A>T (p.Asn463Ile)

Gene: FKRP (fukutin related protein; plus strand). Cytogenetic location: 19q13.32.
Variant type: single nucleotide variant.
Coding change: c.1388A>T on transcript NM_024301.5 (MANE Select); coding-DNA position 1388, A replaced by T.
Protein change: p.Asn463Ile; replaces asparagine 463 with isoleucine.
Molecular consequence: missense variant.
Genome position (GRCh38, 1-based): chr19:46,756,838, A>T. VCF-style: chr19-46756838-A-T. GRCh37 (hg19) VCF-style: chr19-47260095-A-T.
Other names: c.1388A>T, p.Asn463Ile (NM_001039885.3); short protein forms N463I.
Identifiers: ClinVar variation 1066164 (VCV001066164.11), dbSNP rs2122636612, ClinGen allele CA406497262.